The following is an entry in ClinVar:

ClinVar aggregate classification (germline): Uncertain significance. Review status: criteria provided, multiple submitters, no conflicts (2 of 4 stars). 2 submissions from 2 submitters: Uncertain significance (2). Last evaluated 2025-12-05.

Conditions:
Inborn genetic diseases. Identifiers: MedGen C0950123, MeSH D030342.

gnomAD v4.1: 19 of 1,202,416 alleles (0.0016%); highest among the groups gnomAD compares: East Asian, 0.003%; no homozygotes.

Submissions (2):

Labcorp Genetics (formerly Invitae), Labcorp
Classification: Uncertain significance. Last evaluated: 2025-12-05. Review status: criteria provided, single submitter. Criteria: Invitae Variant Classification Sherloc (09022015). Collection method: clinical testing. Allele origin: germline.
Comment: This sequence change replaces arginine, which is basic and polar, with tryptophan, which is neutral and slightly polar, at codon 651 of the PHEX protein (p.Arg651Trp). This variant is present in population databases (no rsID available, gnomAD 0.001%). This variant has not been reported in the literature in individuals affected with PHEX-related conditions. ClinVar contains an entry for this variant (Variation ID: 4135595). Invitae Evidence Modeling of protein sequence and biophysical properties (such as structural, functional, and spatial information, amino acid conservation, physicochemical variation, residue mobility, and thermodynamic stability) indicates that this missense variant is expected to disrupt PHEX protein function with a positive predictive value of 80%. This variant disrupts the p.Arg651 amino acid residue in PHEX. Other variant(s) that disrupt this residue have been determined to be pathogenic (PMID: 9199930, 21553362, 32329911). This suggests that this residue is clinically significant, and that variants that disrupt this residue are likely to be disease-causing. In summary, the available evidence is currently insufficient to determine the role of this variant in disease. Therefore, it has been classified as a Variant of Uncertain Significance.

Ambry Genetics
Classification: Uncertain significance for Inborn genetic diseases. Last evaluated: 2025-08-25. Review status: criteria provided, single submitter. Criteria: Ambry Variant Classification Scheme 2023. Collection method: clinical testing. Allele origin: germline.

Literature cited by the submitters: PubMed 9199930 (cited by Labcorp Genetics (formerly Invitae), Labcorp); PubMed 21553362 (cited by Labcorp Genetics (formerly Invitae), Labcorp); PubMed 32329911 (cited by Labcorp Genetics (formerly Invitae), Labcorp).

NM_000444.6(PHEX):c.1951C>T (p.Arg651Trp)

Genes: PHEX (phosphate regulating endopeptidase X-linked; plus strand), PTCHD1-AS (PTCHD1 and PHEX antisense RNA; minus strand). Cytogenetic location: Xp22.11.
Variant type: single nucleotide variant.
Coding change: c.1951C>T on transcript NM_000444.6 (MANE Select); coding-DNA position 1951, C replaced by T.
Protein change: p.Arg651Trp; replaces arginine 651 with tryptophan.
Molecular consequence: missense variant.
Genome position (GRCh38, 1-based): chrX:22,226,494, C>T. VCF-style: chrX-22226494-C-T. GRCh37 (hg19) VCF-style: chrX-22244611-C-T.
Other names: c.1951C>T, p.Arg651Trp (NM_001282754.2); short protein forms R651W.
Identifiers: ClinVar variation 4135595 (VCV004135595.2).